The following is an entry in ClinVar:

ClinVar aggregate classification (germline): Conflicting classifications of pathogenicity. Review status: criteria provided, conflicting classifications (1 of 4 stars). 2 submissions from 2 submitters: Uncertain significance (1); Likely benign (1). Last evaluated 2024-09-09.

Allele frequency attached by ClinVar (database versions not stated): ExAC 0.00004; gnomAD 0.00005; TOPMed 0.00006; ESP Exome Variant Server 0.00008.
gnomAD v4.1: 125 of 1,613,966 alleles (0.0077%); highest among the groups gnomAD compares: Admixed American, 0.015%; no homozygotes.

Submissions (2):

Labcorp Genetics (formerly Invitae), Labcorp
Classification: Uncertain significance. Last evaluated: 2024-09-09. Review status: criteria provided, single submitter. Criteria: Invitae Variant Classification Sherloc (09022015). Collection method: clinical testing. Allele origin: germline.
Comment: This sequence change replaces glutamic acid, which is acidic and polar, with lysine, which is basic and polar, at codon 468 of the SCNN1B protein (p.Glu468Lys). This variant is present in population databases (rs372687977, gnomAD 0.02%). This missense change has been observed in individual(s) with clinical features of SCNN1B-related conditions (PMID: 33526882). ClinVar contains an entry for this variant (Variation ID: 2161283). An algorithm developed to predict the effect of missense changes on protein structure and function (PolyPhen-2) suggests that this variant is likely to be disruptive. In summary, the available evidence is currently insufficient to determine the role of this variant in disease. Therefore, it has been classified as a Variant of Uncertain Significance.

Blueprint Genetics
Classification: Likely benign. Last evaluated: 2024-07-31. Review status: criteria provided, single submitter. Criteria: ACMG Guidelines, 2015. Collection method: clinical testing. Allele origin: germline.

Literature cited by the submitters: PubMed 33526882 (cited by Labcorp Genetics (formerly Invitae), Labcorp).

NM_000336.3(SCNN1B):c.1402G>A (p.Glu468Lys)

Gene: SCNN1B (sodium channel epithelial 1 subunit beta; plus strand). Cytogenetic location: 16p12.2.
Variant type: single nucleotide variant.
Coding change: c.1402G>A on transcript NM_000336.3 (MANE Select); coding-DNA position 1402, G replaced by A.
Protein change: p.Glu468Lys; replaces glutamic acid 468 with lysine.
Molecular consequence: missense variant.
Genome position (GRCh38, 1-based): chr16:23,377,384, G>A. VCF-style: chr16-23377384-G-A. GRCh37 (hg19) VCF-style: chr16-23388705-G-A.
Other names: c.1294G>A, p.Glu432Lys (NM_001410900.1); short protein forms E432K, E468K.
Identifiers: ClinVar variation 2161283 (VCV002161283.5), dbSNP rs372687977, ClinGen allele CA7960495.